The following is an entry in ClinVar:

ClinVar aggregate classification (germline): Uncertain significance (1 of 4 stars; one submission).

Conditions:
2-aminoadipic 2-oxoadipic aciduria (AAKAD). Also called: ALPHA-AMINOADIPIC AND ALPHA-KETOADIPIC ACIDURIA; Aminoadipic aciduria. Identifiers: Orphanet 79154, MedGen C1859817, MONDO:0008774, OMIM 204750.

gnomAD v4.1: 6 of 1,612,942 alleles (0.00037%); highest among the groups gnomAD compares: Non-Finnish European, 0.00051%; no homozygotes.

Submission:

Labcorp Genetics (formerly Invitae), Labcorp
Classification: Uncertain significance for 2-aminoadipic 2-oxoadipic aciduria. Last evaluated: 2024-02-07. Review status: criteria provided, single submitter. Criteria: Invitae Variant Classification Sherloc (09022015). Collection method: clinical testing. Allele origin: germline.
Comment: This sequence change replaces leucine, which is neutral and non-polar, with proline, which is neutral and non-polar, at codon 240 of the DHTKD1 protein (p.Leu240Pro). This variant is present in population databases (rs754612294, gnomAD 0.0009%). This variant has not been reported in the literature in individuals affected with DHTKD1-related conditions. An algorithm developed to predict the effect of missense changes on protein structure and function (PolyPhen-2) suggests that this variant is likely to be disruptive. In summary, the available evidence is currently insufficient to determine the role of this variant in disease. Therefore, it has been classified as a Variant of Uncertain Significance.

NM_018706.7(DHTKD1):c.719T>C (p.Leu240Pro)

Gene: DHTKD1 (dehydrogenase E1 and transketolase domain containing 1; plus strand). Cytogenetic location: 10p14.
Variant type: single nucleotide variant.
Coding change: c.719T>C on transcript NM_018706.7 (MANE Select); coding-DNA position 719, T replaced by C.
Protein change: p.Leu240Pro; replaces leucine 240 with proline.
Molecular consequence: missense variant.
Genome position (GRCh38, 1-based): chr10:12,088,987, T>C. VCF-style: chr10-12088987-T-C. GRCh37 (hg19) VCF-style: chr10-12130986-T-C.
Other names: short protein forms L240P.
Identifiers: ClinVar variation 3619917 (VCV003619917.2).